The following is an entry in ClinVar:

NM_001032283.3(TMPO):c.565+2026T>C

Gene: TMPO (thymopoietin; plus strand). Cytogenetic location: 12q23.1.
Variant type: single nucleotide variant.
Coding change: c.565+2026T>C on transcript NM_001032283.3 (MANE Select); 2026 bases into the intron after coding-DNA position 565, T replaced by C.
Molecular consequence: intron variant. On other transcripts: missense variant (1).
Genome position (GRCh38, 1-based): chr12:98,533,864, T>C. VCF-style: chr12-98533864-T-C. GRCh37 (hg19) VCF-style: chr12-98927642-T-C.
Other names: c.1607T>C, p.Val536Ala (NM_003276.2); c.565+2026T>C (NM_001307975.2, NM_001032284.3); short protein forms V536A.
Identifiers: ClinVar variation 496208 (VCV000496208.7), dbSNP rs1555203926, ClinGen allele CA386153560.

ClinVar aggregate classification (germline): Uncertain significance. Review status: criteria provided, multiple submitters, no conflicts (2 of 4 stars). 3 submissions from 3 submitters: Uncertain significance (3). Last evaluated 2025-06-17.

Conditions:
Loeys-Dietz syndrome 2 (LDS2). Also called: TGFBR2-Related Loeys-Dietz Syndrome; Marfan Syndrome type 2; Marfan like connective tissue disorder; MFS 2; Marfan syndrome, type 2 (formerly); AORTIC ANEURYSM, FAMILIAL THORACIC 3. Identifiers: Orphanet 284973, Orphanet 558, MedGen C2674574, MONDO:0012427, OMIM 610168.

Allele frequency attached by ClinVar (database versions not stated): TOPMed below 0.00001.
gnomAD v4.1: 3 of 1,614,220 alleles (0.00019%); highest among the groups gnomAD compares: Non-Finnish European, 0.00025%; no homozygotes.

Submissions (3):

Ambry Genetics
Classification: Uncertain significance. Last evaluated: 2025-06-17. Review status: criteria provided, single submitter. Criteria: Ambry Variant Classification Scheme 2023. Collection method: clinical testing. Allele origin: germline.

Labcorp Genetics (formerly Invitae), Labcorp
Classification: Uncertain significance for Loeys-Dietz syndrome 2. Last evaluated: 2024-08-31. Review status: criteria provided, single submitter. Criteria: Invitae Variant Classification Sherloc (09022015). Collection method: clinical testing. Allele origin: germline.
Comment: This sequence change replaces valine, which is neutral and non-polar, with alanine, which is neutral and non-polar, at codon 536 of the TMPO protein (p.Val536Ala). This variant is not present in population databases (gnomAD no frequency). This variant has not been reported in the literature in individuals affected with TMPO-related conditions. ClinVar contains an entry for this variant (Variation ID: 496208). Invitae Evidence Modeling of protein sequence and biophysical properties (such as structural, functional, and spatial information, amino acid conservation, physicochemical variation, residue mobility, and thermodynamic stability) indicates that this missense variant is not expected to disrupt TMPO protein function with a negative predictive value of 80%. In summary, the available evidence is currently insufficient to determine the role of this variant in disease. Therefore, it has been classified as a Variant of Uncertain Significance.

Women's Health and Genetics/Laboratory Corporation of America, LabCorp
Classification: Uncertain significance. Last evaluated: 2016-01-15. Review status: criteria provided, single submitter. Criteria: LabCorp Variant Classification Summary - May 2015. Collection method: clinical testing. Allele origin: germline.